The following is an entry in ClinVar:

NM_001283009.2(RTEL1):c.842A>G (p.Gln281Arg)

Genes: RTEL1 (regulator of telomere elongation helicase 1; plus strand), RTEL1-TNFRSF6B (RTEL1-TNFRSF6B readthrough (NMD candidate); plus strand). Cytogenetic location: 20q13.33.
Variant type: single nucleotide variant.
Coding change: c.842A>G on transcript NM_001283009.2 (MANE Select); coding-DNA position 842, A replaced by G.
Protein change: p.Gln281Arg; replaces glutamine 281 with arginine.
Molecular consequence: missense variant. On other transcripts: non-coding transcript variant (1).
Genome position (GRCh38, 1-based): chr20:63,674,016, A>G. VCF-style: chr20-63674016-A-G. GRCh37 (hg19) VCF-style: chr20-62305369-A-G.
Other names: c.173A>G, p.Gln58Arg (NM_001283010.1); c.842A>G, p.Gln281Arg (NM_016434.4); c.914A>G, p.Gln305Arg (NM_032957.5); short protein forms Q305R, Q58R, Q281R.
Identifiers: ClinVar variation 2932375 (VCV002932375.3), dbSNP rs2517039909, ClinGen allele CA409672840.

ClinVar aggregate classification (germline): Uncertain significance (1 of 4 stars; one submission).

Conditions:
Pulmonary fibrosis and/or bone marrow failure, Telomere-related, 3. Also called: PULMONARY FIBROSIS AND/OR BONE MARROW FAILURE SYNDROME, TELOMERE-RELATED, 3. Identifiers: Orphanet 2032, MedGen C4225346, MONDO:0014613, OMIM 616373.
Dyskeratosis congenita, autosomal recessive 5 (DKCB5). Identifiers: MedGen C3554656, MONDO:0014076, OMIM 615190.

Allele frequency attached by ClinVar (database versions not stated): gnomAD exomes below 0.00001.
gnomAD v4.1: 1 of 1,614,138 alleles (0.000062%); highest among the groups gnomAD compares: Non-Finnish European, 0.000085%; no homozygotes.

Submission:

Labcorp Genetics (formerly Invitae), Labcorp
Classification: Uncertain significance for Dyskeratosis congenita, autosomal recessive 5; Pulmonary fibrosis and/or bone marrow failure, Telomere-related, 3. Last evaluated: 2025-11-19. Review status: criteria provided, single submitter. Criteria: Invitae Variant Classification Sherloc (09022015). Collection method: clinical testing. Allele origin: germline.
Comment: This sequence change replaces glutamine, which is neutral and polar, with arginine, which is basic and polar, at codon 281 of the RTEL1 protein (p.Gln281Arg). This variant is not present in population databases (gnomAD no frequency). This variant has not been reported in the literature in individuals affected with RTEL1-related conditions. ClinVar contains an entry for this variant (Variation ID: 2932375). An algorithm developed to predict the effect of missense changes on protein structure and function outputs the following: PolyPhen-2: "Benign". The arginine amino acid residue is found in multiple mammalian species, which suggests that this missense change does not adversely affect protein function. In summary, the available evidence is currently insufficient to determine the role of this variant in disease. Therefore, it has been classified as a Variant of Uncertain Significance.